The following is an entry in ClinVar:

NM_006363.6(SEC23B):c.1317G>T (p.Glu439Asp)

Gene: SEC23B (SEC23 homolog B, COPII component; plus strand). Cytogenetic location: 20p11.23.
Variant type: single nucleotide variant.
Coding change: c.1317G>T on transcript NM_006363.6 (MANE Select); coding-DNA position 1317, G replaced by T.
Protein change: p.Glu439Asp; replaces glutamic acid 439 with aspartic acid.
Molecular consequence: missense variant.
Genome position (GRCh38, 1-based): chr20:18,535,655, G>T. VCF-style: chr20-18535655-G-T. GRCh37 (hg19) VCF-style: chr20-18516299-G-T.
Other names: c.1317G>T, p.Glu439Asp (NM_001172745.3, NM_032985.6, NM_032986.5); c.1263G>T, p.Glu421Asp (NM_001172746.3); short protein forms E439D, E421D.
Identifiers: ClinVar variation 532197 (VCV000532197.30), dbSNP rs147410912, ClinGen allele CA9778320.

ClinVar aggregate classification (germline): Conflicting classifications of pathogenicity. Review status: criteria provided, conflicting classifications (1 of 4 stars). 5 submissions from 5 submitters: Uncertain significance (2); Likely benign (2). 1 of the submissions does not count toward it. Last evaluated 2026-01-25.

Conditions:
SEC23B-related disorder. Also called: SEC23B-related disorders; SEC23B-related condition.
Congenital dyserythropoietic anemia, type II (CDAN2). Also called: DYSERYTHROPOIETIC ANEMIA, HEMPAS TYPE. Identifiers: Orphanet 98873, MedGen C1306589, MONDO:0009134, OMIM 224100.
Cowden syndrome 7 (CWS7). Identifiers: Orphanet 201, MedGen C4225179, MONDO:0014802, OMIM 616858.

Allele frequency attached by ClinVar (database versions not stated): gnomAD exomes 0.00016 and 0.00045; ExAC 0.00049; 1000 Genomes Project 0.00080; 1000 Genomes Project 30x 0.00094; gnomAD 0.00159 and 0.00176; TOPMed 0.00191; ESP Exome Variant Server 0.00192.
gnomAD v4.1: 495 of 1,613,780 alleles (0.031%); highest among the groups gnomAD compares: African/African-American, 0.58%; 4 homozygotes.

Submissions (5):

Labcorp Genetics (formerly Invitae), Labcorp
Classification: Likely benign for Congenital dyserythropoietic anemia, type II; Cowden syndrome 7. Last evaluated: 2026-01-25. Review status: criteria provided, single submitter. Criteria: Invitae Variant Classification Sherloc (09022015). Collection method: clinical testing. Allele origin: germline.

ARUP Laboratories, Molecular Genetics and Genomics, ARUP Laboratories
Classification: Uncertain significance. Last evaluated: 2025-07-24. Review status: criteria provided, single submitter. Criteria: ARUP Molecular Germline Variant Investigation Process 2024. Collection method: clinical testing. Allele origin: germline.
Comment: The SEC23B c.1317G>T; p.Glu439Asp variant (rs147410912), to our knowledge, is not reported in the medical literature but is reported in ClinVar (Variation ID: 532197). This variant is found in the general population with an overall allele frequency of 0.05% (160/282830 alleles, including one homozygote) in the Genome Aggregation Database (v2.1.1). Computational analyses are uncertain whether this variant is neutral or deleterious (REVEL: 0.512). However, given the lack of clinical and functional data, the significance of this variant is uncertain at this time.

Blueprint Genetics
Classification: Likely benign. Last evaluated: 2024-05-03. Review status: criteria provided, single submitter. Criteria: ACMG Guidelines, 2015. Collection method: clinical testing. Allele origin: germline.

Mayo Clinic Laboratories, Mayo Clinic
Classification: Uncertain significance. Last evaluated: 2022-05-03. Review status: criteria provided, single submitter. Criteria: ACMG Guidelines, 2015. Collection method: clinical testing. Allele origin: germline. Observed: 3 variant alleles.

PreventionGenetics, part of Exact Sciences
Classification: Likely benign for SEC23B-related condition. Last evaluated: 2024-07-30. Review status: no assertion criteria provided. Collection method: clinical testing. Allele origin: germline. Not counted in ClinVar's aggregate classification.
Comment: This variant is classified as likely benign based on ACMG/AMP sequence variant interpretation guidelines (Richards et al. 2015 PMID: 25741868, with internal and published modifications).